The following is an entry in ClinVar:

NM_033380.3(COL4A5):c.2288G>A (p.Gly763Glu)

Gene: COL4A5 (collagen type IV alpha 5 chain; plus strand). Cytogenetic location: Xq22.3.
Variant type: single nucleotide variant.
Coding change: c.2288G>A on transcript NM_033380.3 (MANE Select); coding-DNA position 2288, G replaced by A.
Protein change: p.Gly763Glu; replaces glycine 763 with glutamic acid.
Molecular consequence: missense variant.
Genome position (GRCh38, 1-based): chrX:108,606,785, G>A. VCF-style: chrX-108606785-G-A. GRCh37 (hg19) VCF-style: chrX-107850015-G-A.
Other names: c.2288G>A, p.Gly763Glu (NM_000495.5); short protein forms G763E.
Identifiers: ClinVar variation 24503 (VCV000024503.20), dbSNP rs281874689, ClinGen allele CA258647.

ClinVar aggregate classification (germline): Pathogenic/Likely pathogenic. Review status: criteria provided, multiple submitters, no conflicts (2 of 4 stars). 6 submissions from 6 submitters: Pathogenic (4); Likely pathogenic (2). Last evaluated 2026-02-26.

Conditions:
COL4A5-related disorders.
X-linked Alport syndrome (ATS1). Also called: NEPHROPATHY AND DEAFNESS, X-LINKED; COL4A5-Related Nephropathy. Identifiers: Orphanet 63, Orphanet 88917, MedGen C4746986, MONDO:0010520, OMIM 301050.
Hematuria. Identifiers: MedGen C0018965, HP:0000790.

Submissions (6):

Genetics Laboratory, Great Ormond Street Hospital NHS Foundation Trust, North Thames Genomic Laboratory Hub
Classification: Likely pathogenic for Haematuria. Last evaluated: 2026-02-26. Review status: criteria provided, single submitter. Criteria: ACGS Best Practice Guidelines for Variant Classification in Rare Disease 2024 v1.2. Collection method: clinical testing. Allele origin: germline. Affected: yes.
Comment: PS4_moderate, PM2_moderate, PP3_supporting, PM1_strong

Labcorp Genetics (formerly Invitae), Labcorp
Classification: Pathogenic. Last evaluated: 2025-07-13. Review status: criteria provided, single submitter. Criteria: Invitae Variant Classification Sherloc (09022015). Collection method: clinical testing. Allele origin: germline.
Comment: This sequence change replaces glycine, which is neutral and non-polar, with glutamic acid, which is acidic and polar, at codon 763 of the COL4A5 protein (p.Gly763Glu). This variant is not present in population databases (gnomAD no frequency). This missense change has been observed in individuals with clinical features of Alport syndrome (PMID: 20378821, 27353043; internal data). ClinVar contains an entry for this variant (Variation ID: 24503). Invitae Evidence Modeling of protein sequence and biophysical properties (such as structural, functional, and spatial information, amino acid conservation, physicochemical variation, residue mobility, and thermodynamic stability) indicates that this missense variant is expected to disrupt COL4A5 protein function with a positive predictive value of 95%. This variant disrupts the triple helix domain of COL4A5. Glycine residues within the Gly-Xaa-Yaa repeats of the triple helix domain are required for the structure and stability of fibrillar collagens (PMID: 7695699, 8218237, 19344236). In COL4A5, missense variants at these glycine residues are significantly enriched in individuals with disease (PMID: 23720012, 27627812) compared to the general population (ExAC). For these reasons, this variant has been classified as Pathogenic.

Women's Health and Genetics/Laboratory Corporation of America, LabCorp
Classification: Pathogenic for X-linked Alport syndrome. Last evaluated: 2023-01-11. Review status: criteria provided, single submitter. Criteria: LabCorp Variant Classification Summary - May 2015. Collection method: clinical testing. Allele origin: germline.
Comment: Variant summary: COL4A5 c.2288G>A (p.Gly763Glu) results in a non-conservative amino acid change to a conserved residue in the encoded protein sequence. Two other missense variants affecting this residue have been found in association with Alport syndrome (HGMD). Alterations of glycine residues within the collagen triple-helix are common mechanisms of disease. Five of five in-silico tools predict a damaging effect of the variant on protein function. The variant was absent in 183186 control chromosomes. c.2288G>A has been reported in the literature in multiple individuals affected with Alport Syndrome 1, X-Linked Recessive (Pont-Kingdon_2009, Bekheirnia_2010, Wang_2021). These data indicate that the variant is very likely to be associated with disease. To our knowledge, no experimental evidence demonstrating an impact on protein function has been reported. One submitter has provided a clinical-significance assessment for this variant to ClinVar after 2014 and classified the variant as pathogenic. Based on the evidence outlined above, the variant was classified as pathogenic.

Blueprint Genetics
Classification: Pathogenic for COL4A5-related disorders. Last evaluated: 2018-01-12. Review status: criteria provided, single submitter. Criteria: ACMG Guidelines, 2015. Collection method: clinical testing. Allele origin: germline. Affected: yes. Observed: 1 variant allele.

Center of Genomic medicine, Geneva, University Hospital of Geneva
Classification: Pathogenic for X-linked Alport syndrome. Last evaluated: 2014-08-27. Review status: criteria provided, single submitter. Criteria: MacArthur et al. (Nature 2014). Collection method: clinical testing. Allele origin: germline. Affected: yes.

Precision Medicine Center, Zhengzhou University
Classification: Likely pathogenic for X-linked Alport syndrome. Review status: criteria provided, single submitter. Criteria: ACMG Guidelines, 2015. Collection method: research. Allele origin: germline. Affected: yes.
Comment: PM1:Located in a mutational hot spot PM2:not found in gnomAD PP2:Missense variant in a gene that has a low rate of benign missense variation and in which missense variants are a common mechanism of disease PP3:Multiple lines of computational evidence support a deleterious effect on the gene or gene product PP4:Patient's phenotype is highly specific for a disease

Literature cited by the submitters: PubMed 20378821 (cited by Labcorp Genetics (formerly Invitae), Labcorp and Women's Health and Genetics/Laboratory Corporation of America, LabCorp); PubMed 27353043 (cited by Labcorp Genetics (formerly Invitae), Labcorp and Women's Health and Genetics/Laboratory Corporation of America, LabCorp); PubMed 7695699 (cited by Labcorp Genetics (formerly Invitae), Labcorp); PubMed 8218237 (cited by Labcorp Genetics (formerly Invitae), Labcorp); PubMed 19344236 (cited by Labcorp Genetics (formerly Invitae), Labcorp); PubMed 23720012 (cited by Labcorp Genetics (formerly Invitae), Labcorp); PubMed 27627812 (cited by Labcorp Genetics (formerly Invitae), Labcorp); PubMed 19919694 (cited by Women's Health and Genetics/Laboratory Corporation of America, LabCorp); PubMed 34215756 (cited by Women's Health and Genetics/Laboratory Corporation of America, LabCorp).